The following is an entry in ClinVar:

NM_000321.3(RB1):c.2491A>C (p.Ile831Leu)

Gene: RB1 (RB transcriptional corepressor 1; plus strand). Cytogenetic location: 13q14.2.
Variant type: single nucleotide variant.
Coding change: c.2491A>C on transcript NM_000321.3 (MANE Select); coding-DNA position 2491, A replaced by C.
Protein change: p.Ile831Leu; replaces isoleucine 831 with leucine.
Molecular consequence: missense variant.
Genome position (GRCh38, 1-based): chr13:48,473,361, A>C. VCF-style: chr13-48473361-A-C. GRCh37 (hg19) VCF-style: chr13-49047497-A-C.
Other names: short protein forms I831L.
Identifiers: ClinVar variation 1041083 (VCV001041083.8), dbSNP rs761068783, ClinGen allele CA388168104.

ClinVar aggregate classification (germline): Uncertain significance (1 of 4 stars; one submission).

Conditions:
Retinoblastoma (RB1). Also called: RETINOBLASTOMA, SOMATIC. Identifiers: Orphanet 790, MedGen C0035335, MeSH D012175, MONDO:0008380, OMIM 180200, HP:0009919. Disease mechanism: loss of function. Inheritance: Both sporadic and heritable forms are tested..

Submission:

Labcorp Genetics (formerly Invitae), Labcorp
Classification: Uncertain significance for Retinoblastoma. Last evaluated: 2023-06-09. Review status: criteria provided, single submitter. Criteria: Invitae Variant Classification Sherloc (09022015). Collection method: clinical testing. Allele origin: germline.
Comment: This variant has not been reported in the literature in individuals affected with RB1-related conditions. In summary, the available evidence is currently insufficient to determine the role of this variant in disease. Therefore, it has been classified as a Variant of Uncertain Significance. An algorithm developed to predict the effect of missense changes on protein structure and function (PolyPhen-2) suggests that this variant is likely to be disruptive. ClinVar contains an entry for this variant (Variation ID: 1041083). This variant is not present in population databases (gnomAD no frequency). This sequence change replaces isoleucine, which is neutral and non-polar, with leucine, which is neutral and non-polar, at codon 831 of the RB1 protein (p.Ile831Leu).